The following is an entry in ClinVar:

NM_005055.5(RAPSN):c.79C>T (p.Gln27Ter)

Gene: RAPSN (receptor associated protein of the synapse; minus strand). Cytogenetic location: 11p11.2.
Variant type: single nucleotide variant.
Coding change: c.79C>T on transcript NM_005055.5 (MANE Select); coding-DNA position 79, C replaced by T.
Protein change: p.Gln27Ter; replaces glutamine 27 with a stop codon.
Molecular consequence: nonsense.
Genome position (GRCh38, 1-based): chr11:47,448,886, G>A on the plus strand (C>T on the coding strand, the complement: RAPSN is on the minus strand). VCF-style: chr11-47448886-G-A. GRCh37 (hg19) VCF-style: chr11-47470438-G-A.
Other names: c.79C>T, p.Gln27Ter (NM_032645.5); short protein forms Q27*.
Identifiers: ClinVar variation 2099531 (VCV002099531.4), dbSNP rs2076432332, ClinGen allele CA380336953.

ClinVar aggregate classification (germline): Pathogenic (1 of 4 stars; one submission).

Conditions:
Fetal akinesia deformation sequence 1 (FADS1). Also called: Pena-Shokeir syndrome type I; Fetal akinesia sequence. Identifiers: Orphanet 994, MedGen C1276035, MONDO:0100101, OMIM 208150, HP:0001989.
Congenital myasthenic syndrome 11. Also called: MYASTHENIC SYNDROME, CONGENITAL, Ie; Myasthenic syndrome, congenital, 11, associated with acetylcholine receptor deficiency. Identifiers: Orphanet 590, MedGen C4225367, MONDO:0014588, OMIM 616326.

Submission:

Labcorp Genetics (formerly Invitae), Labcorp
Classification: Pathogenic for Congenital myasthenic syndrome 11; Fetal akinesia deformation sequence 1. Last evaluated: 2022-03-15. Review status: criteria provided, single submitter. Criteria: Invitae Variant Classification Sherloc (09022015). Collection method: clinical testing. Allele origin: germline.
Comment: This variant has not been reported in the literature in individuals affected with RAPSN-related conditions. For these reasons, this variant has been classified as Pathogenic. This sequence change creates a premature translational stop signal (p.Gln27*) in the RAPSN gene. It is expected to result in an absent or disrupted protein product. Loss-of-function variants in RAPSN are known to be pathogenic (PMID: 17686188). This variant is not present in population databases (gnomAD no frequency).

Literature cited by the submitters: PubMed 17686188.